The following is an entry in ClinVar:

NM_001854.4(COL11A1):c.4028A>C (p.Gln1343Pro)

Gene: COL11A1 (collagen type XI alpha 1 chain; minus strand). Cytogenetic location: 1p21.1.
Variant type: single nucleotide variant.
Coding change: c.4028A>C on transcript NM_001854.4 (MANE Select); coding-DNA position 4028, A replaced by C.
Protein change: p.Gln1343Pro; replaces glutamine 1343 with proline.
Molecular consequence: missense variant. On other transcripts: non-coding transcript variant (1).
Genome position (GRCh38, 1-based): chr1:102,913,641, T>G on the plus strand (A>C on the coding strand, the complement: COL11A1 is on the minus strand). VCF-style: chr1-102913641-T-G. GRCh37 (hg19) VCF-style: chr1-103379197-T-G.
Other names: c.3680A>C, p.Gln1227Pro (NM_001168249.1, NM_080630.4); c.3911A>C, p.Gln1304Pro (NM_001190709.2); c.4064A>C, p.Gln1355Pro (NM_080629.3); short protein forms Q1227P, Q1304P, Q1343P, Q1355P.
Identifiers: ClinVar variation 1712671 (VCV001712671.3), dbSNP rs145997317, ClinGen allele CA27675836.
Genomic context (GRCh38, chr1:102,913,641, plus strand): 5'-TTAAAATGCCTTGAGACTATGTAAAAACTTAAAAATAAATTAGTGCATTTACTCACCGGT[T>G]GACCAGGATCTCCATCTTCACCCTTGTCACCACCAACACCATCTTGACCCTATAAGAGGC-3'
Protein context (NP_001845.3, residues 1333-1353): GDKGEDGDPG[Gln1343Pro]PGPPGPSGEA

ClinVar aggregate classification (germline): Uncertain significance. Review status: criteria provided, multiple submitters, no conflicts (2 of 4 stars). 2 submissions from 2 submitters: Uncertain significance (2). Last evaluated 2024-07-27.

Conditions:
Inborn genetic diseases. Identifiers: MedGen C0950123, MeSH D030342.

Allele frequency attached by ClinVar (database versions not stated): gnomAD 0.00005; ESP Exome Variant Server 0.00008.
gnomAD v4.1: 9 of 1,613,320 alleles (0.00056%); highest among the groups gnomAD compares: African/African-American, 0.012%; no homozygotes.

Submissions (2):

Ambry Genetics
Classification: Uncertain significance for Inborn genetic diseases. Last evaluated: 2024-07-27. Review status: criteria provided, single submitter. Criteria: Ambry Variant Classification Scheme 2023. Collection method: clinical testing. Allele origin: germline.

GeneDx
Classification: Uncertain significance. Last evaluated: 2022-04-29. Review status: criteria provided, single submitter. Criteria: GeneDx Variant Classification Process June 2021. Collection method: clinical testing. Allele origin: germline. Affected: yes.
Comment: Not observed at significant frequency in large population cohorts (gnomAD); In silico analysis supports that this missense variant has a deleterious effect on protein structure/function; Has not been previously published as pathogenic or benign to our knowledge